The following is an entry in ClinVar:

ClinVar aggregate classification (germline): Benign. Review status: criteria provided, multiple submitters, no conflicts (2 of 4 stars). 5 submissions from 5 submitters: Benign (5). Last evaluated 2026-01-24.

Allele frequency attached by ClinVar (database versions not stated): ExAC 0.02083; gnomAD exomes 0.00240; gnomAD 0.01215; 1000 Genomes Project 0.01218; 1000 Genomes Project 30x 0.01296; TOPMed 0.01454.
gnomAD v4.1: 3,193 of 1,326,700 alleles (0.24%); highest among the groups gnomAD compares: African/African-American, 4.4%; 75 homozygotes.

Submissions (5):

Labcorp Genetics (formerly Invitae), Labcorp
Classification: Benign. Last evaluated: 2026-01-24. Review status: criteria provided, single submitter. Criteria: Invitae Variant Classification Sherloc (09022015). Collection method: clinical testing. Allele origin: germline.

Athena Diagnostics
Classification: Benign. Last evaluated: 2018-08-31. Review status: criteria provided, single submitter. Criteria: Athena Diagnostics Criteria. Collection method: clinical testing. Allele origin: germline.

GeneDx
Classification: Benign. Last evaluated: 2018-06-04. Review status: criteria provided, single submitter. Criteria: GeneDx Variant Classification (06012015). Collection method: clinical testing. Allele origin: germline. Affected: yes.
Comment: This variant is considered likely benign or benign based on one or more of the following criteria: it is a conservative change, it occurs at a poorly conserved position in the protein, it is predicted to be benign by multiple in silico algorithms, and/or has population frequency not consistent with disease.

Laboratory for Molecular Medicine, Mass General Brigham Personalized Medicine
Classification: Benign. Last evaluated: 2014-11-24. Review status: criteria provided, single submitter. Criteria: LMM Criteria. Collection method: clinical testing. Allele origin: germline. Observed: 11 variant alleles.
Comment: Arg44Gln in exon 1 of OTOG: This variant is not expected to have clinical signif icance because it has been identified in 4.5% (8/176) of Yoruba (Nigerian) chrom osomes from a broad population by the 1000 Genomes Project (.; dbSNP rs111425080).

Breakthrough Genomics
Classification: Benign. Review status: criteria provided, single submitter. Criteria: ACMG Guidelines, 2015. Collection method: not provided. Allele origin: germline. Inheritance: Autosomal recessive inheritance. Affected: yes.

Literature cited by the submitters: PubMed 29625023 (cited by Athena Diagnostics).

NM_001292063.2(OTOG):c.94+37G>A

Gene: OTOG (otogelin; plus strand). Cytogenetic location: 11p15.1.
Variant type: single nucleotide variant.
Coding change: c.94+37G>A on transcript NM_001292063.2 (MANE Select); 37 bases into the intron after coding-DNA position 94, G replaced by A.
Molecular consequence: intron variant. On other transcripts: missense variant (1).
Genome position (GRCh38, 1-based): chr11:17,547,503, G>A. VCF-style: chr11-17547503-G-A. GRCh37 (hg19) VCF-style: chr11-17569050-G-A.
Other names: c.131G>A, p.Arg44Gln (NM_001277269.2); short protein forms R44Q.
Identifiers: ClinVar variation 226863 (VCV000226863.14), dbSNP rs111425080, ClinGen allele CA5905310.